The following is an entry in ClinVar:

NM_000051.4(ATM):c.67C>A (p.Arg23=)

Gene: ATM (ATM serine/threonine kinase; plus strand). Cytogenetic location: 11q22.3.
Variant type: single nucleotide variant.
Coding change: c.67C>A on transcript NM_000051.4 (MANE Select); coding-DNA position 67, C replaced by A.
Protein change: p.Arg23=; no amino-acid change (arginine 23 retained).
Molecular consequence: synonymous variant.
Genome position (GRCh38, 1-based): chr11:108,227,691, C>A. VCF-style: chr11-108227691-C-A. GRCh37 (hg19) VCF-style: chr11-108098418-C-A.
Other names: c.67C>A, p.Arg23= (NM_001351834.2, NM_001351835.2, NM_001351836.2).
Identifiers: ClinVar variation 1152663 (VCV001152663.14), dbSNP rs746235533, ClinGen allele CA476667983.

ClinVar aggregate classification (germline): Benign/Likely benign. Review status: criteria provided, multiple submitters, no conflicts (2 of 4 stars). 4 submissions from 4 submitters: Benign (1); Likely benign (3). Last evaluated 2025-01-08.

Conditions:
Hereditary cancer-predisposing syndrome. Also called: Hereditary Cancer Syndrome; Hereditary neoplastic syndrome; Neoplastic Syndromes, Hereditary; Tumor predisposition. Identifiers: Orphanet 140162, MedGen C0027672, MeSH D009386, MONDO:0015356.
Ataxia-telangiectasia syndrome (AT). Also called: Ataxia-telangiectasia; Cerebello-oculocutaneous telangiectasia; Immunodeficiency with ataxia telangiectasia; Ataxia-telangiectasia, complementation group D; AT, COMPLEMENTATION GROUP C; Ataxia telangiectasia (A-T). Identifiers: Orphanet 100, MedGen C0004135, MONDO:0008840, OMIM 208900.
Familial cancer of breast. Also called: BREAST CANCER, FAMILIAL; Hereditary breast cancer; hereditary breast carcinoma. Identifiers: Orphanet 227535, MedGen C0346153, MONDO:0016419, OMIM 114480. Disease mechanism: loss of function.

Submissions (4):

Labcorp Genetics (formerly Invitae), Labcorp
Classification: Likely benign for Ataxia-telangiectasia syndrome. Last evaluated: 2025-01-08. Review status: criteria provided, single submitter. Criteria: Invitae Variant Classification Sherloc (09022015). Collection method: clinical testing. Allele origin: germline.

Myriad Genetics, Inc.
Classification: Benign for Familial cancer of breast. Last evaluated: 2024-04-16. Review status: criteria provided, single submitter. Criteria: Myriad Autosomal Dominant, Autosomal Recessive and X-Linked Classification Criteria (2023). Collection method: clinical testing. Allele origin: unknown.
Comment: This variant is considered benign. This variant is a silent/synonymous amino acid change and it is not expected to impact splicing.

Color Diagnostics, LLC DBA Color Health
Classification: Likely benign for Hereditary cancer-predisposing syndrome. Last evaluated: 2022-02-01. Review status: criteria provided, single submitter. Criteria: ACMG Guidelines, 2015. Collection method: clinical testing. Allele origin: germline.

Ambry Genetics
Classification: Likely benign for Hereditary cancer-predisposing syndrome. Last evaluated: 2022-01-21. Review status: criteria provided, single submitter. Criteria: Ambry Variant Classification Scheme 2023. Collection method: clinical testing. Allele origin: germline.